The following is an entry in ClinVar:

ClinVar aggregate classification (germline): Likely pathogenic (1 of 4 stars; one submission).

Submission:

Labcorp Genetics (formerly Invitae), Labcorp
Classification: Likely pathogenic. Last evaluated: 2024-04-17. Review status: criteria provided, single submitter. Criteria: Invitae Variant Classification Sherloc (09022015). Collection method: clinical testing. Allele origin: germline.
Comment: This sequence change affects a donor splice site in intron 11 of the VPS13C gene. It is expected to disrupt RNA splicing. Variants that disrupt the donor or acceptor splice site typically lead to a loss of protein function (PMID: 16199547), and loss-of-function variants in VPS13C are known to be pathogenic (PMID: 26942284, 34875562). This variant is not present in population databases (gnomAD no frequency). This variant has not been reported in the literature in individuals affected with VPS13C-related conditions. ClinVar contains an entry for this variant (Variation ID: 1970609). Algorithms developed to predict the effect of sequence changes on RNA splicing suggest that this variant may disrupt the consensus splice site. In summary, the currently available evidence indicates that the variant is pathogenic, but additional data are needed to prove that conclusively. Therefore, this variant has been classified as Likely Pathogenic.

Literature cited by the submitters: PubMed 16199547; PubMed 26942284; PubMed 34875562.

NM_020821.3(VPS13C):c.825+2T>C

Gene: VPS13C (vacuolar protein sorting 13 homolog C; minus strand). Cytogenetic location: 15q22.2.
Variant type: single nucleotide variant.
Coding change: c.825+2T>C on transcript NM_020821.3 (MANE Select); the canonical splice donor site of the intron after coding-DNA position 825, T replaced by C.
Molecular consequence: splice donor variant.
Genome position (GRCh38, 1-based): chr15:62,013,037, A>G on the plus strand (T>C on the coding strand, the complement: VPS13C is on the minus strand). VCF-style: chr15-62013037-A-G. GRCh37 (hg19) VCF-style: chr15-62305236-A-G.
Other names: c.696+2T>C (NM_017684.5, NM_018080.4); c.825+2T>C (NM_001018088.3).
Identifiers: ClinVar variation 1970609 (VCV001970609.5), dbSNP rs2548120498, ClinGen allele CA392689741.
Genomic context (GRCh38, chr15:62,013,037, plus strand): 5'-TATATTAAACAAATTTAGGGATGGGAGTGAAGTTAGCTCTTCCAAGTATACATTAATATT[A>G]CCAAAATCTGTTCCCTTGATCTCTGGTAAGACATGCTGCAATTTACATTCCAGTAGGCGC-3'